The following is an entry in ClinVar:

ClinVar aggregate classification (germline): Pathogenic (1 of 4 stars; one submission).

Conditions:
Hereditary cancer-predisposing syndrome. Also called: Neoplastic Syndromes, Hereditary; Tumor predisposition; Hereditary Cancer Syndrome; Hereditary neoplastic syndrome. Identifiers: Orphanet 140162, MedGen C0027672, MeSH D009386, MONDO:0015356.

Submission:

Ambry Genetics
Classification: Pathogenic for Hereditary cancer-predisposing syndrome. Last evaluated: 2024-12-20. Review status: criteria provided, single submitter. Criteria: Ambry Variant Classification Scheme 2023. Collection method: clinical testing. Allele origin: germline.
Comment: The c.5839_5841delTCTinsG pathogenic mutation, located in coding exon 38 of the ATM gene, results from the deletion of 3 nucleotides and insertion of one nucleotide causing a translational frameshift with a predicted alternate stop codon (p.S1947Vfs*17). This variant is considered to be rare based on population cohorts in the Genome Aggregation Database (gnomAD). This alteration is expected to result in loss of function by premature protein truncation or nonsense-mediated mRNA decay. As such, this alteration is interpreted as a disease-causing mutation.

NM_000051.4(ATM):c.5839_5841delinsG (p.Ser1947fs)

Genes: ATM (ATM serine/threonine kinase; plus strand), C11orf65 (chromosome 11 open reading frame 65; minus strand). Cytogenetic location: 11q22.3.
Variant type: Indel.
Coding change: c.5839_5841delinsG on transcript NM_000051.4 (MANE Select); coding-DNA positions 5839 to 5841, TCT replaced by G.
Protein change: p.Ser1947fs; shifts the reading frame from serine 1947.
Molecular consequence: frameshift variant. On other transcripts: intron variant (2).
Genome position (GRCh38, 1-based): chr11:108,310,236-108,310,238, TCT replaced by G. VCF-style: chr11-108310236-TCT-G. GRCh37 (hg19) VCF-style: chr11-108180963-TCT-G.
Other names: c.5839_5841delinsG, p.Ser1947fs (NM_001351834.2); c.641-1167_641-1165delinsC (NM_001330368.2); c.*39-1167_*39-1165delinsC (NM_001351110.2); short protein forms S1947fs.
Identifiers: ClinVar variation 3801139 (VCV003801139.1).